The following is an entry in ClinVar:

NM_032447.5(FBN3):c.3689C>T (p.Thr1230Met)

Gene: FBN3 (fibrillin 3; minus strand). Cytogenetic location: 19p13.2.
Variant type: single nucleotide variant.
Coding change: c.3689C>T on transcript NM_032447.5 (MANE Select); coding-DNA position 3689, C replaced by T.
Protein change: p.Thr1230Met; replaces threonine 1230 with methionine.
Molecular consequence: missense variant.
Genome position (GRCh38, 1-based): chr19:8,116,697, G>A on the plus strand (C>T on the coding strand, the complement: FBN3 is on the minus strand). VCF-style: chr19-8116697-G-A. GRCh37 (hg19) VCF-style: chr19-8181581-G-A.
Other names: c.3689C>T, p.Thr1230Met (NM_001321431.2); short protein forms T1230M.
Identifiers: ClinVar variation 2172184 (VCV002172184.4), dbSNP rs538423152, ClinGen allele CA9152363.
Genomic context (GRCh38, chr19:8,116,697, plus strand): 5'-CCTCCACCCGCCCCGCCCCACCGTCCCGGCTCCTCACCAACACATGTCCTCATGTCTGGC[G>A]TGGCCATGAAGCCATCATAGCACAGGCAGCGGTGACCCCCTGGCATGTTGGTGCAGTGGC-3'
Protein context (NP_115823.3, residues 1220-1240): RCLCYDGFMA[Thr1230Met]PDMRTCVDVD

ClinVar aggregate classification (germline): Uncertain significance (1 of 4 stars; one submission).

Allele frequency attached by ClinVar (database versions not stated): ExAC 0.00001; gnomAD 0.00001; TOPMed 0.00001; 1000 Genomes Project 30x 0.00016; 1000 Genomes Project 0.00020.
gnomAD v4.1: 15 of 1,613,874 alleles (0.00093%); highest among the groups gnomAD compares: Admixed American, 0.0017%; no homozygotes.

Submission:

Labcorp Genetics (formerly Invitae), Labcorp
Classification: Uncertain significance. Last evaluated: 2022-05-24. Review status: criteria provided, single submitter. Criteria: Invitae Variant Classification Sherloc (09022015). Collection method: clinical testing. Allele origin: germline.
Comment: This sequence change replaces threonine, which is neutral and polar, with methionine, which is neutral and non-polar, at codon 1230 of the FBN3 protein (p.Thr1230Met). In summary, the available evidence is currently insufficient to determine the role of this variant in disease. Therefore, it has been classified as a Variant of Uncertain Significance. Algorithms developed to predict the effect of missense changes on protein structure and function output the following: SIFT: "Not Available"; PolyPhen-2: "Benign"; Align-GVGD: "Not Available". The methionine amino acid residue is found in multiple mammalian species, which suggests that this missense change does not adversely affect protein function. This variant has not been reported in the literature in individuals affected with FBN3-related conditions. This variant is present in population databases (rs538423152, gnomAD 0.007%).